The following is an entry in ClinVar:

ClinVar aggregate classification (germline): Uncertain significance (1 of 4 stars; one submission).

Submission:

GeneDx
Classification: Uncertain significance. Last evaluated: 2025-02-04. Review status: criteria provided, single submitter. Criteria: GeneDx Variant Classification Process June 2021. Collection method: clinical testing. Allele origin: germline. Affected: yes.
Comment: Not observed at significant frequency in large population cohorts (gnomAD); In silico analysis indicates that this missense variant does not alter protein structure/function; Has not been previously published as pathogenic or benign to our knowledge; This variant is associated with the following publications: (PMID: 22419737, 19782031)

NM_007194.4(CHEK2):c.673A>T (p.Thr225Ser)

Gene: CHEK2 (checkpoint kinase 2; minus strand). Cytogenetic location: 22q12.1.
Variant type: single nucleotide variant.
Coding change: c.673A>T on transcript NM_007194.4 (MANE Select); coding-DNA position 673, A replaced by T.
Protein change: p.Thr225Ser; replaces threonine 225 with serine.
Molecular consequence: missense variant. On other transcripts: intron variant (1).
Genome position (GRCh38, 1-based): chr22:28,719,405, T>A on the plus strand (A>T on the coding strand, the complement: CHEK2 is on the minus strand). VCF-style: chr22-28719405-T-A. GRCh37 (hg19) VCF-style: chr22-29115393-T-A.
Other names: c.802A>T, p.Thr268Ser (NM_001005735.3, NM_001438294.1); c.10A>T, p.Thr4Ser (NM_001257387.3, NM_001437942.1); c.766A>T, p.Thr256Ser (NM_001438293.1, NM_001438295.1); c.673A>T, p.Thr225Ser (NM_145862.3); c.482+5481A>T (NM_001349956.3); short protein forms T225S, T268S, T4S, T256S.
Identifiers: ClinVar variation 4072800 (VCV004072800.1).
Genomic context (GRCh38, chr22:28,719,405, plus strand): 5'-CAAATGTATAGTGAAAAAATTAAGTGCATTTATATAAGAAAATAATTTACCTTCCAAGAG[T>A]TTTTGACATGATGTATTCATCTCTTAATGCCTTAGGATAAACTGACTGATCATCTACAGT-3'
Protein context (NP_009125.1, residues 215-235): ALRDEYIMSK[Thr225Ser]LGSGACGEVK